The following is an entry in ClinVar:

NM_000152.5(GAA):c.1159G>A (p.Val387Met)

Gene: GAA (alpha glucosidase; plus strand). Cytogenetic location: 17q25.3.
Variant type: single nucleotide variant.
Coding change: c.1159G>A on transcript NM_000152.5 (MANE Select); coding-DNA position 1159, G replaced by A.
Protein change: p.Val387Met; replaces valine 387 with methionine.
Molecular consequence: missense variant.
Genome position (GRCh38, 1-based): chr17:80,108,572, G>A. VCF-style: chr17-80108572-G-A. GRCh37 (hg19) VCF-style: chr17-78082371-G-A.
Other names: c.1159G>A, p.Val387Met (NM_001079803.3, NM_001079804.3, NM_001406741.1 and 1 more transcripts); short protein forms V387M.
Identifiers: ClinVar variation 4687260 (VCV004687260.2).

ClinVar aggregate classification (germline): Uncertain significance. Review status: criteria provided, multiple submitters, no conflicts (2 of 4 stars). 2 submissions from 2 submitters: Uncertain significance (2). Last evaluated 2025-10-15.

Conditions:
Glycogen storage disease, type II (IOPD). Also called: CARDIOMEGALIA GLYCOGENICA DIFFUSA; Glucosidase acid-1,4-alpha deficiency; GLYCOGENOSIS, GENERALIZED, CARDIAC FORM; GSD II; Glycogen storage disease type 2; Acid maltase deficiency disease. Identifiers: Orphanet 365, MedGen C0017921, MONDO:0009290, OMIM 232300.

Submissions (2):

Women's Health and Genetics/Laboratory Corporation of America, LabCorp
Classification: Uncertain significance. Last evaluated: 2025-10-15. Review status: criteria provided, single submitter. Criteria: LabCorp Variant Classification Summary - May 2015. Collection method: clinical testing. Allele origin: germline.
Comment: Variant summary: GAA c.1159G>A (p.Val387Met) results in a conservative amino acid change in the encoded protein sequence. Algorithms developed to predict the effect of missense changes on protein structure and function are either unavailable or do not agree on the potential impact of this missense change. The variant was absent in 248286 control chromosomes. The available data on variant occurrences in the general population are insufficient to allow any conclusion about variant significance. To our knowledge, no occurrence of c.1159G>A in individuals affected with GAA-related conditions and no experimental evidence demonstrating its impact on protein function have been reported. No submitters have cited clinical-significance assessments for this variant to ClinVar. Based on the evidence outlined above, the variant was classified as uncertain significance.

Labcorp Genetics (formerly Invitae), Labcorp
Classification: Uncertain significance for Glycogen storage disease, type II. Last evaluated: 2025-10-07. Review status: criteria provided, single submitter. Criteria: Invitae Variant Classification Sherloc (09022015). Collection method: clinical testing. Allele origin: germline.
Comment: This sequence change replaces valine, which is neutral and non-polar, with methionine, which is neutral and non-polar, at codon 387 of the GAA protein (p.Val387Met). This variant is not present in population databases (gnomAD no frequency). This variant has not been reported in the literature in individuals affected with GAA-related conditions. Invitae Evidence Modeling of protein sequence and biophysical properties (such as structural, functional, and spatial information, amino acid conservation, physicochemical variation, residue mobility, and thermodynamic stability) indicates that this missense variant is expected to disrupt GAA protein function with a positive predictive value of 95%. In summary, the available evidence is currently insufficient to determine the role of this variant in disease. Therefore, it has been classified as a Variant of Uncertain Significance.